The following is an entry in ClinVar:

NC_000001.10:g.(?_215972239)_(216074257_?)del

Gene: USH2A (usherin; minus strand). Cytogenetic location: 1q41.
Variant type: Deletion.
Identifiers: ClinVar variation 1457275 (VCV001457275.6).

ClinVar aggregate classification (germline): Pathogenic (1 of 4 stars; one submission).

Submission:

Labcorp Genetics (formerly Invitae), Labcorp
Classification: Pathogenic. Last evaluated: 2022-02-23. Review status: criteria provided, single submitter. Criteria: Invitae Variant Classification Sherloc (09022015). Collection method: clinical testing. Allele origin: germline.
Comment: This variant is a gross deletion of the genomic region encompassing exon(s) 39-50 of the USH2A gene. This variant would be expected to be in-frame, preserving the integrity of the reading frame. This variant has not been reported in the literature in individuals affected with USH2A-related conditions. This variant disrupts a region of the USH2A protein in which other variant(s) (p.Cys3307Trp) have been determined to be pathogenic (PMID: 26667666; Invitae). This suggests that this is a clinically significant region of the protein, and that variants that disrupt it are likely to be disease-causing. For these reasons, this variant has been classified as Pathogenic.

Literature cited by the submitters: PubMed 26667666.